The following is an entry in ClinVar:

ClinVar aggregate classification (germline): Uncertain significance (1 of 4 stars; one submission).

Conditions:
Combined immunodeficiency due to STK4 deficiency (IMD110). Also called: T-cell immunodeficiency, recurrent infections, and autoimmunity with or without cardiac malformations; STK4 DEFICIENCY; MST1 DEFICIENCY. Identifiers: Orphanet 314689, MedGen C3553943, MONDO:0013934, OMIM 614868.

Allele frequency attached by ClinVar (database versions not stated): ExAC 0.00001; gnomAD exomes 0.00001.
gnomAD v4.1: 5 of 1,612,188 alleles (0.00031%); highest among the groups gnomAD compares: Non-Finnish European, 0.00034%; no homozygotes.

Submission:

Labcorp Genetics (formerly Invitae), Labcorp
Classification: Uncertain significance for Combined immunodeficiency due to STK4 deficiency. Last evaluated: 2024-04-29. Review status: criteria provided, single submitter. Criteria: Invitae Variant Classification Sherloc (09022015). Collection method: clinical testing. Allele origin: germline.
Comment: This sequence change replaces lysine, which is basic and polar, with arginine, which is basic and polar, at codon 87 of the STK4 protein (p.Lys87Arg). This variant is present in population databases (rs778374900, gnomAD 0.002%). This variant has not been reported in the literature in individuals affected with STK4-related conditions. ClinVar contains an entry for this variant (Variation ID: 2114107). Advanced modeling of protein sequence and biophysical properties (such as structural, functional, and spatial information, amino acid conservation, physicochemical variation, residue mobility, and thermodynamic stability) performed at Invitae indicates that this missense variant is not expected to disrupt STK4 protein function with a negative predictive value of 95%. In summary, the available evidence is currently insufficient to determine the role of this variant in disease. Therefore, it has been classified as a Variant of Uncertain Significance.

NM_006282.5(STK4):c.260A>G (p.Lys87Arg)

Gene: STK4 (serine/threonine kinase 4; plus strand). Cytogenetic location: 20q13.12.
Variant type: single nucleotide variant.
Coding change: c.260A>G on transcript NM_006282.5 (MANE Select); coding-DNA position 260, A replaced by G.
Protein change: p.Lys87Arg; replaces lysine 87 with arginine.
Molecular consequence: missense variant.
Genome position (GRCh38, 1-based): chr20:44,981,843, A>G. VCF-style: chr20-44981843-A-G. GRCh37 (hg19) VCF-style: chr20-43610484-A-G.
Other names: c.260A>G, p.Lys87Arg (NM_001352385.2); short protein forms K87R.
Identifiers: ClinVar variation 2114107 (VCV002114107.3), dbSNP rs778374900, ClinGen allele CA9873762.